The following is an entry in ClinVar:

NM_001127464.1:c.9212G>A

Gene: ZNF469 (zinc finger protein 469; plus strand).
Variant type: single nucleotide variant.
Identifiers: ClinVar variation 4209110 (VCV004209110.1).

ClinVar aggregate classification (germline): Uncertain significance (1 of 4 stars; one submission).

Conditions:
Cardiovascular phenotype. Identifiers: MedGen CN230736.

Submission:

Ambry Genetics
Classification: Uncertain significance for Cardiovascular phenotype. Last evaluated: 2025-08-03. Review status: criteria provided, single submitter. Criteria: Ambry Variant Classification Scheme 2023. Collection method: clinical testing. Allele origin: germline.
Comment: The p.G3071E variant (also known as c.9212G>A), located in coding exon 2 of the ZNF469 gene, results from a G to A substitution at nucleotide position 9212. The glycine at codon 3071 is replaced by glutamic acid, an amino acid with similar properties. This amino acid position is conserved. In addition, this alteration is predicted to be tolerated by in silico analysis. Based on the available evidence, the clinical significance of this variant remains unclear.